The following is an entry in ClinVar:

NM_001024847.2(TGFBR2):c.-344C>T

Gene: TGFBR2 (transforming growth factor beta receptor 2; plus strand). Cytogenetic location: 3p24.1.
Variant type: single nucleotide variant.
Coding change: c.-344C>T on transcript NM_001024847.2; 344 bases upstream of the start codon, C replaced by T.
Molecular consequence: 5 prime UTR variant (on NM_001407129.1).
Genome position (GRCh38, 1-based): chr3:30,606,540, C>T. VCF-style: chr3-30606540-C-T. GRCh37 (hg19) VCF-style: chr3-30648032-C-T.
Other names: c.-65C>T (NM_001407129.1, NM_001407132.1).
Identifiers: ClinVar variation 3220875 (VCV003220875.1), dbSNP rs886058298, ClinGen allele CA906173116.
Genomic context (GRCh38, chr3:30,606,540, plus strand): 5'-AGAGCTAGGGGCTGGACGTCGAGGAGAGGGAGAAGGCTCTCGGGCGGAGAGAGGTCCTGC[C>T]CAGCTGTTGGCGAGGAGTTTCCTGTTTCCCCCGCAGCGCTGAGTTGAAGTTGAGTGAGTC-3'

ClinVar aggregate classification (germline): Uncertain risk allele (1 of 4 stars; one submission).

Conditions:
Diabetic retinopathy. Identifiers: MedGen C0011884, MONDO:0005266.

Allele frequency attached by ClinVar (database versions not stated): TOPMed below 0.00001.
gnomAD v4.1: 2 of 277,774 alleles (0.00072%); highest among the groups gnomAD compares: Non-Finnish European, 0.0014%; no homozygotes.

Submission:

Clinical Genomics, Uppaluri K&H Personalized Medicine Clinic
Classification: Uncertain risk allele for Diabetic retinopathy. Review status: criteria provided, single submitter. Criteria: K And H Uppaluri Personalized Medicine Clinic Variant Classification And Assertion Criteria Updated V 2. Collection method: research. Allele origin: unknown.
Comment: Potent mutations in TGFBR2 gene encodes the transforming growth factor that have been associated with angiogenesis and diabetic retinopathy. More clinical studies are needed for stronger association. However, more evidence is required to confer the association of this particular variant rs886058298 with diabetic retinopathy.

Literature cited by the submitters: PubMed 30222965; PubMed 28162229; PubMed 34572573.